The following is an entry in ClinVar:

NM_006182.4(DDR2):c.280C>T (p.Leu94Phe)

Gene: DDR2 (discoidin domain receptor tyrosine kinase 2; plus strand). Cytogenetic location: 1q23.3.
Variant type: single nucleotide variant.
Coding change: c.280C>T on transcript NM_006182.4 (MANE Select); coding-DNA position 280, C replaced by T.
Protein change: p.Leu94Phe; replaces leucine 94 with phenylalanine.
Molecular consequence: missense variant.
Genome position (GRCh38, 1-based): chr1:162,754,718, C>T. VCF-style: chr1-162754718-C-T. GRCh37 (hg19) VCF-style: chr1-162724508-C-T.
Other names: c.280C>T, p.Leu94Phe (NM_001014796.3, NM_001354982.2, NM_001354983.2); short protein forms L94F.
Identifiers: ClinVar variation 3623971 (VCV003623971.3).

ClinVar aggregate classification (germline): Uncertain significance. Review status: criteria provided, multiple submitters, no conflicts (2 of 4 stars). 2 submissions from 2 submitters: Uncertain significance (2). Last evaluated 2024-09-21.

gnomAD v4.1: 14 of 1,614,142 alleles (0.00087%); highest among the groups gnomAD compares: South Asian, 0.0011%; no homozygotes.

Submissions (2):

Labcorp Genetics (formerly Invitae), Labcorp
Classification: Uncertain significance. Last evaluated: 2024-09-21. Review status: criteria provided, single submitter. Criteria: Invitae Variant Classification Sherloc (09022015). Collection method: clinical testing. Allele origin: germline.
Comment: This sequence change replaces leucine, which is neutral and non-polar, with phenylalanine, which is neutral and non-polar, at codon 94 of the DDR2 protein (p.Leu94Phe). This variant is present in population databases (rs773478881, gnomAD 0.003%). This variant has not been reported in the literature in individuals affected with DDR2-related conditions. An algorithm developed to predict the effect of missense changes on protein structure and function (PolyPhen-2) suggests that this variant is likely to be disruptive. In summary, the available evidence is currently insufficient to determine the role of this variant in disease. Therefore, it has been classified as a Variant of Uncertain Significance.

Blueprint Genetics
Classification: Uncertain significance. Last evaluated: 2020-01-07. Review status: criteria provided, single submitter. Criteria: ACMG Guidelines, 2015. Collection method: clinical testing. Allele origin: germline.